The following is an entry in ClinVar:

ClinVar aggregate classification (germline): Uncertain significance (1 of 4 stars; one submission).

Submission:

Labcorp Genetics (formerly Invitae), Labcorp
Classification: Uncertain significance. Last evaluated: 2022-10-04. Review status: criteria provided, single submitter. Criteria: Invitae Variant Classification Sherloc (09022015). Collection method: clinical testing. Allele origin: germline.
Comment: In summary, the available evidence is currently insufficient to determine the role of this variant in disease. Therefore, it has been classified as a Variant of Uncertain Significance. This variant has not been reported in the literature in individuals affected with TNK2-related conditions. This variant is not present in population databases (gnomAD no frequency). This sequence change creates a premature translational stop signal (p.Gly196Valfs*19) in the TNK2 gene. It is expected to result in an absent or disrupted protein product. However, the current clinical and genetic evidence is not sufficient to establish whether loss-of-function variants in TNK2 cause disease.

NM_001382273.1(TNK2):c.398_404del (p.Gly133fs)

Gene: TNK2 (tyrosine kinase non receptor 2; minus strand). Cytogenetic location: 3q29.
Variant type: Deletion.
Coding change: c.398_404del on transcript NM_001382273.1 (MANE Select); coding-DNA positions 398 to 404, 7 bases deleted (GTGATGG; older notation c.398_404delGTGATGG).
Protein change: p.Gly133fs; shifts the reading frame from glycine 133.
Molecular consequence: frameshift variant. On other transcripts: non-coding transcript variant (15).
Genome position (GRCh38, 1-based): chr3:195,884,864-195,884,870, CCATCAC deleted on the plus strand (GTGATGG on the coding strand, the reverse complement: TNK2 is on the minus strand); deleting any 7 consecutive bases within chr3:195,884,864-195,884,873 gives the same sequence; the c. name uses the placement nearest the transcript's 3' end. VCF-style (leftmost placement, unchanged base first): chr3-195884863-ACCATCAC-A. GRCh37 (hg19) VCF-style: chr3-195611734-ACCATCAC-A.
Other names: c.398_404del, p.Gly133fs (NM_001387714.1, NM_001387716.1, NM_001387717.1 and 12 more transcripts); c.470_476del, p.Gly157fs (NM_001387715.1, NM_001010938.2, NM_001382272.1 and 1 more transcripts); c.494_500del, p.Gly165fs (NM_001308046.2, NM_001382271.1, NM_001382275.1 and 1 more transcripts); short protein forms G157fs, G165fs, G133fs.
Identifiers: ClinVar variation 2090056 (VCV002090056.4), dbSNP rs2475392705, ClinGen allele CA2580070582.
Genomic context (GRCh38, chr3:195,884,863, plus strand): 5'-AGAGCTCACCGTCTTCCCTGAGGGCGCGTCCCACTCGCCCCTGCGCACCACGCCAAAGGA[ACCATCAC>A]CCAGCTTCTCCAGGAGGCGCAGGTCCTTCTCCCCAATGAGGCAGGTGAGGCTCTGCAGGG-3'